The following is an entry in ClinVar:

NM_000138.5(FBN1):c.8342T>C (p.Leu2781Pro)

Gene: FBN1 (fibrillin 1; minus strand). Cytogenetic location: 15q21.1.
Variant type: single nucleotide variant.
Coding change: c.8342T>C on transcript NM_000138.5 (MANE Select); coding-DNA position 8342, T replaced by C.
Protein change: p.Leu2781Pro; replaces leucine 2781 with proline.
Molecular consequence: missense variant.
Genome position (GRCh38, 1-based): chr15:48,411,264, A>G on the plus strand (T>C on the coding strand, the complement: FBN1 is on the minus strand). VCF-style: chr15-48411264-A-G. GRCh37 (hg19) VCF-style: chr15-48703461-A-G.
Other names: c.8342T>C, p.Leu2781Pro (NM_001406716.1); short protein forms L2781P.
Identifiers: ClinVar variation 3754034 (VCV003754034.2).

ClinVar aggregate classification (germline): Uncertain significance (1 of 4 stars; one submission).

Conditions:
Marfan syndrome (MFS). Also called: MARFAN SYNDROME, TYPE I; Marfan syndrome type 1; Marfan's syndrome; Marfan syndrome, classic; FBN1-Related Marfan Syndrome. Identifiers: Orphanet 284963, Orphanet 558, MedGen C0024796, MONDO:0007947, OMIM 154700.
Familial thoracic aortic aneurysm and aortic dissection (TAAD). Also called: Thoracic aortic aneurysms and dissections. Identifiers: Orphanet 91387, MedGen C4707243, MONDO:0019625.

Submission:

Labcorp Genetics (formerly Invitae), Labcorp
Classification: Uncertain significance for Marfan syndrome; Familial thoracic aortic aneurysm and aortic dissection. Last evaluated: 2024-04-16. Review status: criteria provided, single submitter. Criteria: Invitae Variant Classification Sherloc (09022015). Collection method: clinical testing. Allele origin: germline.
Comment: This sequence change replaces leucine, which is neutral and non-polar, with proline, which is neutral and non-polar, at codon 2781 of the FBN1 protein (p.Leu2781Pro). This variant is not present in population databases (gnomAD no frequency). This missense change has been observed in individual(s) with Marfan syndrome (Invitae). Advanced modeling of protein sequence and biophysical properties (such as structural, functional, and spatial information, amino acid conservation, physicochemical variation, residue mobility, and thermodynamic stability) has been performed at Invitae for this missense variant, however the output from this modeling did not meet the statistical confidence thresholds required to predict the impact of this variant on FBN1 protein function. In summary, the available evidence is currently insufficient to determine the role of this variant in disease. Therefore, it has been classified as a Variant of Uncertain Significance.